The following is an entry in ClinVar:

ClinVar aggregate classification (germline): Uncertain significance (1 of 4 stars; one submission).

Conditions:
Familial cold autoinflammatory syndrome 2 (FCAS2). Identifiers: Orphanet 247868, MedGen C2673198, MONDO:0012724, OMIM 611762.

Submission:

Labcorp Genetics (formerly Invitae), Labcorp
Classification: Uncertain significance for Familial cold autoinflammatory syndrome 2. Last evaluated: 2023-03-20. Review status: criteria provided, single submitter. Criteria: Invitae Variant Classification Sherloc (09022015). Collection method: clinical testing. Allele origin: unknown.
Comment: This variant results in a copy number gain of the genomic region encompassing exon(s) 2-4 of the NLRP12 gene. While the exact position of this variant cannot be determined from the data, sub-genic copy number gains are generally in tandem (PMID: 25640679). This variant is predicted to be out-of-frame, and may result in an absent or disrupted protein product. However, the current clinical and genetic evidence is not sufficient to establish whether loss-of-function variants in NLRP12 cause disease. In summary, the available evidence is currently insufficient to determine the role of this variant in disease. Therefore, it has been classified as a Variant of Uncertain Significance. Experimental studies and prediction algorithms are not available or were not evaluated, and the functional significance of this variant is currently unknown. This variant has not been reported in the literature in individuals affected with NLRP12-related conditions.

Literature cited by the submitters: PubMed 25640679.

NC_000019.9:g.(?_54310729)_(54318262_?)dup

Gene: NLRP12 (NLR family pyrin domain containing 12; minus strand). Cytogenetic location: 19q13.42.
Variant type: Duplication.
Identifiers: ClinVar variation 3248468 (VCV003248468.1).